The following is an entry in ClinVar:

ClinVar aggregate classification (germline): Conflicting classifications of pathogenicity. Review status: criteria provided, conflicting classifications (1 of 4 stars). 4 submissions from 4 submitters: Uncertain significance (3); Likely benign (1). Last evaluated 2026-09-21.

Conditions:
Dilated cardiomyopathy 1G (CMD1G). Identifiers: Orphanet 154, MedGen C1858763, MONDO:0011400, OMIM 604145.
Autosomal recessive limb-girdle muscular dystrophy type 2J (LGMDR10). Also called: Limb-girdle muscular dystrophy, type 2J; MUSCULAR DYSTROPHY, LIMB-GIRDLE, AUTOSOMAL RECESSIVE 10. Identifiers: Orphanet 140922, MedGen C1837342, MONDO:0012127, OMIM 608807.
Primary dilated cardiomyopathy (DCM). Also called: Dilated Cardiomyopathy. Identifiers: Orphanet 217604, MedGen C0007193, MeSH D002311, MONDO:0005021, HP:0001644. Inheritance: Various modes of inheritance.

Allele frequency attached by ClinVar (database versions not stated): TOPMed 0.00002; gnomAD exomes 0.00007 and 0.00011; gnomAD below 0.00001 and 0.00005; ExAC 0.00012.
gnomAD v4.1: 104 of 1,611,826 alleles (0.0065%); highest among the groups gnomAD compares: South Asian, 0.11%; no homozygotes.

Submissions (4):

Molecular Diagnostic Laboratory for Inherited Cardiovascular Disease, Montreal Heart Institute
Classification: Likely benign. Last evaluated: 2026-09-21. Review status: criteria provided, single submitter. Criteria: ACMG Guidelines, 2015. Collection method: clinical testing. Allele origin: germline. Affected: no.
Comment: BS1;BP1

Revvity Omics, Revvity
Classification: Uncertain significance. Last evaluated: 2024-01-24. Review status: criteria provided, single submitter. Criteria: ACMG Guidelines, 2015. Collection method: clinical testing. Allele origin: germline.

Labcorp Genetics (formerly Invitae), Labcorp
Classification: Uncertain significance for Dilated cardiomyopathy 1G; Autosomal recessive limb-girdle muscular dystrophy type 2J. Last evaluated: 2017-10-10. Review status: criteria provided, single submitter. Criteria: Invitae Variant Classification Sherloc (09022015). Collection method: clinical testing. Allele origin: germline.

Genetics and Genomics Program, Sidra Medicine
Classification: Uncertain significance for Primary dilated cardiomyopathy. Review status: criteria provided, single submitter. Criteria: ACMG Guidelines, 2015. Collection method: research. Allele origin: unknown. Affected: yes. Observed: 1 variant allele.

NM_001267550.2(TTN):c.44191C>T (p.Leu14731Phe)

Gene: TTN (titin; minus strand). Cytogenetic location: 2q31.2.
Variant type: single nucleotide variant.
Coding change: c.44191C>T on transcript NM_001267550.2 (MANE Select); coding-DNA position 44191, C replaced by T.
Protein change: p.Leu14731Phe; replaces leucine 14731 with phenylalanine.
Molecular consequence: missense variant.
Genome position (GRCh38, 1-based): chr2:178,630,331, G>A on the plus strand (C>T on the coding strand, the complement: TTN is on the minus strand). VCF-style: chr2-178630331-G-A. GRCh37 (hg19) VCF-style: chr2-179495058-G-A.
Other names: c.39268C>T, p.Leu13090Phe (NM_001256850.1); c.16996C>T, p.Leu5666Phe (NM_003319.4); c.36487C>T, p.Leu12163Phe (NM_133378.4); c.17371C>T, p.Leu5791Phe (NM_133432.3); c.17572C>T, p.Leu5858Phe (NM_133437.4); short protein forms L14731F, L5791F, L5858F, L12163F, L13090F, L5666F.
Identifiers: ClinVar variation 535656 (VCV000535656.9), dbSNP rs771361227, ClinGen allele CA1995723.